The following is an entry in ClinVar:

ClinVar aggregate classification (germline): Conflicting classifications of pathogenicity. Review status: criteria provided, conflicting classifications (1 of 4 stars). 3 submissions from 3 submitters: Uncertain significance (1); Likely benign (1). 1 of the submissions does not count toward it. Last evaluated 2025-11-09.

Conditions:
Immunodeficiency 104. Also called: Severe combined immunodeficiency, autosomal recessive, T cell-negative, B cell-positive, NK cell-positive; Severe Combined Immune Deficiency, Autosomal Recessive, TCell -Negative, B Cell-Positive, NK Cell-Positive, IL7R-Related; SCID, AUTOSOMAL RECESSIVE, T CELL-NEGATIVE, B CELL-POSITIVE, NK CELL-POSITIVE; IMMUNODEFICIENCY 104, SEVERE COMBINED. Identifiers: MedGen C5676890, MONDO:0012163, OMIM 608971.

Allele frequency attached by ClinVar (database versions not stated): gnomAD 0.00012 and 0.00013; ESP Exome Variant Server 0.00015; TOPMed 0.00018; 1000 Genomes Project 0.00020; 1000 Genomes Project 30x 0.00031.
gnomAD v4.1: 159 of 1,613,534 alleles (0.0099%); highest among the groups gnomAD compares: East Asian, 0.049%; no homozygotes.

Submissions (3):

Labcorp Genetics (formerly Invitae), Labcorp
Classification: Likely benign for Immunodeficiency 104. Last evaluated: 2025-11-09. Review status: criteria provided, single submitter. Criteria: Invitae Variant Classification Sherloc (09022015). Collection method: clinical testing. Allele origin: germline.

Illumina Laboratory Services, Illumina
Classification: Uncertain significance for Immunodeficiency 104. Last evaluated: 2018-01-13. Review status: criteria provided, single submitter. Criteria: ICSL Variant Classification Criteria 13 December 2019. Collection method: clinical testing. Allele origin: germline.

ITMI
No classification provided. Condition: AllHighlyPenetrant. Last evaluated: 2013-09-19. Review status: no classification provided. Collection method: reference population. Allele origin: germline. Not counted in ClinVar's aggregate classification.
Comment: Please see associated publication for description of ethnicities

Literature cited by the submitters: PubMed 24728327 (cited by ITMI).

NM_002185.5(IL7R):c.760G>A (p.Ala254Thr)

Gene: IL7R (interleukin 7 receptor; plus strand). Cytogenetic location: 5p13.2.
Variant type: single nucleotide variant.
Coding change: c.760G>A on transcript NM_002185.5 (MANE Select); coding-DNA position 760, G replaced by A.
Protein change: p.Ala254Thr; replaces alanine 254 with threonine.
Molecular consequence: missense variant.
Genome position (GRCh38, 1-based): chr5:35,874,502, G>A. VCF-style: chr5-35874502-G-A. GRCh37 (hg19) VCF-style: chr5-35874604-G-A.
Other names: short protein forms A254T.
Identifiers: ClinVar variation 134531 (VCV000134531.12), dbSNP rs137868226, ClinGen allele CA160108.
Genomic context (GRCh38, chr5:35,874,502, plus strand): 5'-TTTCCAGGGGAGATGGATCCTATCTTACTAACCATCAGCATTTTGAGTTTTTTCTCTGTC[G>A]CTCTGTTGGTCATCTTGGCCTGTGTGTTATGGAAAAAAAGGTGACCTTCTTCAACTAATA-3'
Protein context (NP_002176.2, residues 244-264): TISILSFFSV[Ala254Thr]LLVILACVLW